The following is an entry in ClinVar:

NM_144508.5(KNL1):c.250+545T>C

Gene: KNL1 (kinetochore scaffold 1; plus strand). Cytogenetic location: 15q15.1.
Variant type: single nucleotide variant.
Coding change: c.250+545T>C on transcript NM_144508.5 (MANE Select); 545 bases into the intron after coding-DNA position 250, T replaced by C.
Molecular consequence: intron variant. On other transcripts: synonymous variant (1).
Genome position (GRCh38, 1-based): chr15:40,610,842, T>C. VCF-style: chr15-40610842-T-C. GRCh37 (hg19) VCF-style: chr15-40903040-T-C.
Other names: c.294T>C, p.Pro98= (NM_170589.5).
Identifiers: ClinVar variation 4872361 (VCV004872361.2).
Genomic context (GRCh38, chr15:40,610,842, plus strand): 5'-TCACTGTTGTTCCCCAGGCTGCAGTGCAATGGTGCCATCTCAGCTGCAACTTCTGCCTCC[T>C]GGGTTTAAGCGATTCTCCTGCCTCAGCCTCCCAGGTAGCCGGGATTACAGGCATGCACCA-3'

ClinVar aggregate classification (germline): Likely benign (1 of 4 stars; one submission).

Submission:

CeGaT Center for Human Genetics Tuebingen
Classification: Likely benign. Last evaluated: 2026-04-01. Review status: criteria provided, single submitter. Criteria: CeGaT Center For Human Genetics Tuebingen Variant Classification Criteria Version 2. Collection method: clinical testing. Allele origin: germline. Affected: yes. Observed: 1 variant allele.
Comment: KNL1: PM2:Supporting, BP4, BP7